The following is an entry in ClinVar:

NM_000287.4(PEX6):c.2915G>T (p.Arg972Leu)

Gene: PEX6 (peroxisomal biogenesis factor 6; minus strand). Cytogenetic location: 6p21.1.
Variant type: single nucleotide variant.
Coding change: c.2915G>T on transcript NM_000287.4 (MANE Select); coding-DNA position 2915, G replaced by T.
Protein change: p.Arg972Leu; replaces arginine 972 with leucine.
Molecular consequence: missense variant. On other transcripts: non-coding transcript variant (1).
Genome position (GRCh38, 1-based): chr6:42,964,363, C>A on the plus strand (G>T on the coding strand, the complement: PEX6 is on the minus strand). VCF-style: chr6-42964363-C-A. GRCh37 (hg19) VCF-style: chr6-42932101-C-A.
Other names: c.2651G>T, p.Arg884Leu (NM_001316313.2); short protein forms R884L, R972L.
Identifiers: ClinVar variation 1037931 (VCV001037931.9), dbSNP rs751058292, ClinGen allele CA364149092.
Genomic context (GRCh38, chr6:42,964,363, plus strand): 5'-TGCTGAGCGGGGTCCCAGACCCTGGGGGGCTCCTAGCAGGCAGCAAACTTGCGCTGGATG[C>A]GCTTGTACCGGAGCAGCTCCTGCTCACTGACTGAGGGTTGCAGCCGGGCGGCAGCCTGCA-3'
Protein context (NP_000278.3, residues 962-980): VSEQELLRYK[Arg972Leu]IQRKFAAC

ClinVar aggregate classification (germline): Uncertain significance (1 of 4 stars; one submission).

Conditions:
Peroxisome biogenesis disorder. Identifiers: Orphanet 79189, MedGen C1832200, MONDO:0019234. Disease mechanism: loss of function.

gnomAD v4.1: 1 of 1,613,806 alleles (0.000062%); highest among the groups gnomAD compares: Non-Finnish European, 0.000085%; no homozygotes.

Submission:

Labcorp Genetics (formerly Invitae), Labcorp
Classification: Uncertain significance for Peroxisome biogenesis disorder. Last evaluated: 2020-03-26. Review status: criteria provided, single submitter. Criteria: Invitae Variant Classification Sherloc (09022015). Collection method: clinical testing. Allele origin: germline.
Comment: In summary, the available evidence is currently insufficient to determine the role of this variant in disease. Therefore, it has been classified as a Variant of Uncertain Significance. Algorithms developed to predict the effect of missense changes on protein structure and function (SIFT, PolyPhen-2, Align-GVGD) all suggest that this variant is likely to be tolerated, but these predictions have not been confirmed by published functional studies and their clinical significance is uncertain. This variant has not been reported in the literature in individuals with PEX6-related conditions. This variant is not present in population databases (ExAC no frequency). This sequence change replaces arginine with leucine at codon 972 of the PEX6 protein (p.Arg972Leu). The arginine residue is moderately conserved and there is a moderate physicochemical difference between arginine and leucine.